The following is an entry in ClinVar:

ClinVar aggregate classification (germline): Conflicting classifications of pathogenicity. Review status: criteria provided, conflicting classifications (1 of 4 stars). 2 submissions from 2 submitters: Uncertain significance (1); Likely benign (1). Last evaluated 2026-01-05.

Allele frequency attached by ClinVar (database versions not stated): TOPMed below 0.00001; gnomAD 0.00005; gnomAD exomes 0.00009 and 0.00017; 1000 Genomes Project 30x 0.00016; ExAC 0.00017; 1000 Genomes Project 0.00020.
gnomAD v4.1: 135 of 1,613,778 alleles (0.0084%); highest among the groups gnomAD compares: South Asian, 0.12%; 2 homozygotes.

Submissions (2):

Labcorp Genetics (formerly Invitae), Labcorp
Classification: Uncertain significance. Last evaluated: 2026-01-05. Review status: criteria provided, single submitter. Criteria: Invitae Variant Classification Sherloc (09022015). Collection method: clinical testing. Allele origin: germline.
Comment: This sequence change replaces serine, which is neutral and polar, with glycine, which is neutral and non-polar, at codon 401 of the ORC1 protein (p.Ser401Gly). This variant is present in population databases (rs556908265, gnomAD 0.1%). This variant has not been reported in the literature in individuals affected with ORC1-related conditions. ClinVar contains an entry for this variant (Variation ID: 1391291). Invitae Evidence Modeling of protein sequence and biophysical properties (such as structural, functional, and spatial information, amino acid conservation, physicochemical variation, residue mobility, and thermodynamic stability) indicates that this missense variant is not expected to disrupt ORC1 protein function with a negative predictive value of 80%. In summary, the available evidence is currently insufficient to determine the role of this variant in disease. Therefore, it has been classified as a Variant of Uncertain Significance.

Blueprint Genetics
Classification: Likely benign. Last evaluated: 2024-11-21. Review status: criteria provided, single submitter. Criteria: ACMG Guidelines, 2015. Collection method: clinical testing. Allele origin: germline.

NM_004153.4(ORC1):c.1201A>G (p.Ser401Gly)

Gene: ORC1 (origin recognition complex subunit 1; minus strand). Cytogenetic location: 1p32.3.
Variant type: single nucleotide variant.
Coding change: c.1201A>G on transcript NM_004153.4 (MANE Select); coding-DNA position 1201, A replaced by G.
Protein change: p.Ser401Gly; replaces serine 401 with glycine.
Molecular consequence: missense variant.
Genome position (GRCh38, 1-based): chr1:52,388,624, T>C on the plus strand (A>G on the coding strand, the complement: ORC1 is on the minus strand). VCF-style: chr1-52388624-T-C. GRCh37 (hg19) VCF-style: chr1-52854296-T-C.
Other names: c.1201A>G, p.Ser401Gly (NM_001190818.2, NM_001190819.2); short protein forms S401G.
Identifiers: ClinVar variation 1391291 (VCV001391291.6), dbSNP rs556908265, ClinGen allele CA853397.